The following is an entry in ClinVar:

NM_015046.7(SETX):c.6292C>T (p.Arg2098Ter)

Gene: SETX (senataxin; minus strand). Cytogenetic location: 9q34.13.
Variant type: single nucleotide variant.
Coding change: c.6292C>T on transcript NM_015046.7 (MANE Select); coding-DNA position 6292, C replaced by T.
Protein change: p.Arg2098Ter; replaces arginine 2098 with a stop codon.
Molecular consequence: nonsense.
Genome position (GRCh38, 1-based): chr9:132,288,268, G>A on the plus strand (C>T on the coding strand, the complement: SETX is on the minus strand). VCF-style: chr9-132288268-G-A. GRCh37 (hg19) VCF-style: chr9-135163655-G-A.
Other names: c.6292C>T, p.Arg2098Ter (NM_001351527.2, NM_001351528.2); short protein forms R2098*.
Identifiers: ClinVar variation 586555 (VCV000586555.4), dbSNP rs770684782, ClinGen allele CA5296777.

ClinVar aggregate classification (germline): Pathogenic. Review status: criteria provided, multiple submitters, no conflicts (2 of 4 stars). 3 submissions from 3 submitters: Pathogenic (3). Last evaluated 2025-10-19.

Conditions:
Amyotrophic lateral sclerosis type 4 (ALS4). Also called: AMYOTROPHIC LATERAL SCLEROSIS 4, JUVENILE; NEURONOPATHY, DISTAL HEREDITARY MOTOR, WITH PYRAMIDAL FEATURES. Identifiers: Orphanet 357043, MedGen C1865409, MONDO:0011223, OMIM 602433.
SETX-related disorder. Also called: SETX-related disorders; SETX-related condition. Identifiers: MedGen CN239403.

Allele frequency attached by ClinVar (database versions not stated): gnomAD exomes below 0.00001; ExAC 0.00001; TOPMed 0.00001.
gnomAD v4.1: 4 of 1,614,130 alleles (0.00025%); highest among the groups gnomAD compares: South Asian, 0.0022%; no homozygotes.

Submissions (3):

PreventionGenetics, part of Exact Sciences
Classification: Pathogenic for SETX-related condition. Last evaluated: 2025-10-19. Review status: criteria provided, single submitter. Criteria: ACMG Guidelines, 2015. Collection method: clinical testing. Allele origin: germline.
Comment: The SETX c.6292C>T variant is predicted to result in premature protein termination (p.Arg2098*). This variant was reported in the homozygous state in multiple individuals with ataxia-ocular apraxia 2, also known as autosomal recessive spinocerebellar ataxia with axonal neuropathy 2 (Hammer et al. 2012. PubMed ID: 23111195; Lynch et al. 2007. PubMed ID: 17593543; Mancini et al. 2015. PubMed ID: 25927548). This variant is reported in 0.00088% of alleles in individuals of European (non-Finnish) descent in gnomAD. Nonsense variants in SETX are expected to be pathogenic. This variant is interpreted as pathogenic for autosomal recessive SETX-related disorders.

Athena Diagnostics
Classification: Pathogenic. Last evaluated: 2015-12-22. Review status: criteria provided, single submitter. Criteria: Athena Diagnostics Criteria. Collection method: clinical testing. Allele origin: germline.

Lifecell International Pvt. Ltd
Classification: Pathogenic for Amyotrophic lateral sclerosis type 4. Review status: criteria provided, single submitter. Criteria: ACMG Guidelines, 2015. Collection method: clinical testing. Allele origin: germline. Inheritance: Autosomal dominant inheritance. Affected: yes. Observed: 1 heterozygote.
Comment: A Heterozygous Nonsense variant c.6292C>T in Exon 17 of the SETX gene that results in the amino acid substitution p.Arg2098* was identified. The observed variant has a minor allele frequency of 0.00000% in gnomAD exomes, respectively. The severity of the impact of this variant on the protein is high, based on the effect of the protein and REVEL score . Rare Exome Variant Ensemble Learner (REVEL) is an ensembl method for predicting the pathogenicity of missense variants based on a combination of scores from 13 individual tools: MutPred, FATHMM v2.3, VEST 3.0, PolyPhen-2, SIFT, PROVEAN, MutationAssessor, MutationTaster, LRT, GERP++, SiPhy, phyloP, and phastCons. The REVEL score for an individual missense variant can range from 0 to 1, with higher scores reflecting greater likelihood that the variant is disease-causing. ClinVar has also classified this variant as Pathogenic (variant ID: 586555). This variant was reported among the patients for myoclonus (Mancini C et al., 2018). Based on the above evidence this variant has been classified as Pathogenic according to the ACMG guidelines.

Literature cited by the submitters: PubMed 23111195 (cited by Athena Diagnostics); PubMed 25927548 (cited by Athena Diagnostics and Lifecell International Pvt. Ltd).